The following is an entry in ClinVar:

ClinVar aggregate classification (germline): Benign/Likely benign. Review status: criteria provided, multiple submitters, no conflicts (2 of 4 stars). 8 submissions from 6 submitters: Benign (6); Likely benign (2). Last evaluated 2026-01-27.

Conditions:
Polydactyly. Also called: polydactylism. Identifiers: MedGen C0152427, MONDO:0021003, OMIM 603596, HP:0010442.
Greig cephalopolysyndactyly syndrome (GCPS). Also called: GLI3-Related Greig Cephalopolysyndactyly Syndrome; POLYSYNDACTYLY WITH PECULIAR SKULL SHAPE; Greig syndrome. Identifiers: Orphanet 380, MedGen C0265306, MONDO:0008287, OMIM 175700.
Pallister-Hall syndrome (PHS). Also called: HYPOTHALAMIC HAMARTOBLASTOMA, HYPOPITUITARISM, IMPERFORATE ANUS, AND POSTAXIAL POLYDACTYLY; GLI3-Related Pallister-Hall Syndrome. Identifiers: Orphanet 672, MedGen C0265220, MONDO:0007804, OMIM 146510.

Allele frequency attached by ClinVar (database versions not stated): gnomAD exomes 0.00046 and 0.00127; ExAC 0.00160; ESP Exome Variant Server 0.00484; gnomAD 0.00490 and 0.00514; TOPMed 0.00517; 1000 Genomes Project 0.00819; 1000 Genomes Project 30x 0.00843.
gnomAD v4.1: 1,426 of 1,614,124 alleles (0.088%); highest among the groups gnomAD compares: African/African-American, 1.7%; 10 homozygotes.

Submissions (8):

Labcorp Genetics (formerly Invitae), Labcorp
Classification: Benign for Pallister-Hall syndrome; Greig cephalopolysyndactyly syndrome. Last evaluated: 2026-01-27. Review status: criteria provided, single submitter. Criteria: Invitae Variant Classification Sherloc (09022015). Collection method: clinical testing. Allele origin: germline.

Blueprint Genetics
Classification: Likely benign. Last evaluated: 2024-09-18. Review status: criteria provided, single submitter. Criteria: ACMG Guidelines, 2015. Collection method: clinical testing. Allele origin: germline.

GeneDx
Classification: Benign. Last evaluated: 2019-03-13. Review status: criteria provided, single submitter. Criteria: GeneDx Variant Classification Process June 2021. Collection method: clinical testing. Allele origin: germline. Affected: yes.

Illumina Laboratory Services, Illumina
Classification: Benign for Greig cephalopolysyndactyly syndrome. Last evaluated: 2018-01-12. Review status: criteria provided, single submitter. Criteria: ICSL Variant Classification Criteria 13 December 2019. Collection method: clinical testing. Allele origin: germline.
Comment: This variant was observed in the ICSL laboratory as part of a predisposition screen in an ostensibly healthy population. It had not been previously curated by ICSL or reported in the Human Gene Mutation Database (HGMD: prior to June 1st, 2018), and was therefore a candidate for classification through an automated scoring system. Utilizing variant allele frequency, disease prevalence and penetrance estimates, and inheritance mode, an automated score was calculated to assess if this variant is too frequent to cause the disease. Based on the score and internal cut-off values, a variant classified as benign is not then subjected to further curation. The score for this variant resulted in a classification of benign for this disease.

Illumina Laboratory Services, Illumina
Classification: Benign for Pallister-Hall syndrome. Last evaluated: 2018-01-12. Review status: criteria provided, single submitter. Criteria: ICSL Variant Classification Criteria 13 December 2019. Collection method: clinical testing. Allele origin: germline.
Comment: the same text as in the submission from Illumina Laboratory Services, Illumina above.

Illumina Laboratory Services, Illumina
Classification: Benign for Polydactyly. Last evaluated: 2018-01-12. Review status: criteria provided, single submitter. Criteria: ICSL Variant Classification Criteria 13 December 2019. Collection method: clinical testing. Allele origin: germline.
Comment: the same text as in the submission from Illumina Laboratory Services, Illumina above.

Center for Pediatric Genomic Medicine, Children's Mercy Hospital and Clinics
Classification: Likely benign. Last evaluated: 2017-05-04. Review status: criteria provided, single submitter. Criteria: ACMG Guidelines, 2015. Collection method: clinical testing. Allele origin: germline.

PreventionGenetics, part of Exact Sciences
Classification: Benign. Review status: criteria provided, single submitter. Criteria: ACMG Guidelines, 2015. Collection method: clinical testing. Allele origin: germline.

NM_000168.6(GLI3):c.2165A>G (p.Asn722Ser)

Gene: GLI3 (GLI family zinc finger 3; minus strand). Cytogenetic location: 7p14.1.
Variant type: single nucleotide variant.
Coding change: c.2165A>G on transcript NM_000168.6 (MANE Select); coding-DNA position 2165, A replaced by G.
Protein change: p.Asn722Ser; replaces asparagine 722 with serine.
Molecular consequence: missense variant.
Genome position (GRCh38, 1-based): chr7:41,967,862, T>C on the plus strand (A>G on the coding strand, the complement: GLI3 is on the minus strand). VCF-style: chr7-41967862-T-C. GRCh37 (hg19) VCF-style: chr7-42007460-T-C.
Other names: short protein forms N722S.
Identifiers: ClinVar variation 255428 (VCV000255428.18), dbSNP rs146130351, ClinGen allele CA4230671.